The following is an entry in ClinVar:

ClinVar aggregate classification (germline): Uncertain significance (1 of 4 stars; one submission).

Conditions:
Autosomal recessive limb-girdle muscular dystrophy type 2F (LGMDR6). Also called: Muscular dystrophy limb-girdle with delta-sarcoglyan deficiency; MUSCULAR DYSTROPHY, LIMB-GIRDLE, AUTOSOMAL RECESSIVE 6. Identifiers: Orphanet 219, MedGen C1832525, MONDO:0011028, OMIM 601287. Disease mechanism: Affects gamma-sarcoglycan and also disrupts the integrity of the entire sarcoglycan complex..

gnomAD v4.1: 1 of 1,612,510 alleles (0.000062%); highest among the groups gnomAD compares: Non-Finnish European, 0.000085%; no homozygotes.

Submission:

Labcorp Genetics (formerly Invitae), Labcorp
Classification: Uncertain significance for Autosomal recessive limb-girdle muscular dystrophy type 2F. Last evaluated: 2022-06-25. Review status: criteria provided, single submitter. Criteria: Invitae Variant Classification Sherloc (09022015). Collection method: clinical testing. Allele origin: germline.
Comment: In summary, the available evidence is currently insufficient to determine the role of this variant in disease. Therefore, it has been classified as a Variant of Uncertain Significance. Algorithms developed to predict the effect of missense changes on protein structure and function are either unavailable or do not agree on the potential impact of this missense change (SIFT: "Deleterious"; PolyPhen-2: "Probably Damaging"; Align-GVGD: "Class C0"). This variant has not been reported in the literature in individuals affected with SGCD-related conditions. This variant is not present in population databases (gnomAD no frequency). This sequence change replaces glycine, which is neutral and non-polar, with alanine, which is neutral and non-polar, at codon 81 of the SGCD protein (p.Gly81Ala).

NM_000337.6(SGCD):c.242G>C (p.Gly81Ala)

Gene: SGCD (sarcoglycan delta; plus strand). Cytogenetic location: 5q33.3.
Variant type: single nucleotide variant.
Coding change: c.242G>C on transcript NM_000337.6 (MANE Select); coding-DNA position 242, G replaced by C.
Protein change: p.Gly81Ala; replaces glycine 81 with alanine.
Molecular consequence: missense variant.
Genome position (GRCh38, 1-based): chr5:156,508,650, G>C. VCF-style: chr5-156508650-G-C. GRCh37 (hg19) VCF-style: chr5-155935660-G-C.
Other names: c.239G>C, p.Gly80Ala (NM_001128209.2); c.242G>C, p.Gly81Ala (NM_172244.3); short protein forms G80A, G81A.
Identifiers: ClinVar variation 1465719 (VCV001465719.8), dbSNP rs2127875419, ClinGen allele CA362008023.